The following is an entry in ClinVar:

NM_170707.4(LMNA):c.271A>C (p.Thr91Pro)

Gene: LMNA (lamin A/C; plus strand). Cytogenetic location: 1q22.
Variant type: single nucleotide variant.
Coding change: c.271A>C on transcript NM_170707.4 (MANE Select); coding-DNA position 271, A replaced by C.
Protein change: p.Thr91Pro; replaces threonine 91 with proline.
Molecular consequence: missense variant. On other transcripts: intron variant (2), 5 prime UTR variant (8).
Genome position (GRCh38, 1-based): chr1:156,115,189, A>C. VCF-style: chr1-156115189-A-C. GRCh37 (hg19) VCF-style: chr1-156084980-A-C.
Other names: c.271A>C, p.Thr91Pro (NM_170708.4, NM_001282625.2, NM_001282626.2 and 6 more transcripts); c.-203+8366A>C (NM_001406993.1, NM_001407003.1); c.-153A>C (NM_001406986.1); c.-131A>C (NM_001406990.1, NM_001406995.1, NM_001407002.1); c.-394A>C (NM_001406994.1, NM_001407000.1); c.-574A>C (NM_001406999.1); c.-237A>C (NM_001407001.1); short protein forms T91P.
Identifiers: ClinVar variation 3682231 (VCV003682231.3).

ClinVar aggregate classification (germline): Conflicting classifications of pathogenicity. Review status: criteria provided, conflicting classifications (1 of 4 stars). 2 submissions from 2 submitters: Pathogenic (1); Uncertain significance (1). Last evaluated 2025-01-28.

Conditions:
Charcot-Marie-Tooth disease type 2. Also called: Charcot-Marie-Tooth type 2. Identifiers: Orphanet 64746, MedGen C0270914, MONDO:0018993.

Submissions (2):

GeneDx
Classification: Pathogenic. Last evaluated: 2025-01-28. Review status: criteria provided, single submitter. Criteria: GeneDx Variant Classification Process June 2021. Collection method: clinical testing. Allele origin: germline. Affected: yes.
Comment: Not observed at significant frequency in large population cohorts (gnomAD); In silico analysis supports that this missense variant has a deleterious effect on protein structure/function; Has not been previously published as pathogenic or benign to our knowledge; This variant is associated with the following publications: (PMID: 10939567)

Labcorp Genetics (formerly Invitae), Labcorp
Classification: Uncertain significance for Charcot-Marie-Tooth disease type 2. Last evaluated: 2024-12-18. Review status: criteria provided, single submitter. Criteria: Invitae Variant Classification Sherloc (09022015). Collection method: clinical testing. Allele origin: germline.
Comment: This sequence change replaces threonine, which is neutral and polar, with proline, which is neutral and non-polar, at codon 91 of the LMNA protein (p.Thr91Pro). This variant is not present in population databases (gnomAD no frequency). This variant has not been reported in the literature in individuals affected with LMNA-related conditions. Invitae Evidence Modeling of protein sequence and biophysical properties (such as structural, functional, and spatial information, amino acid conservation, physicochemical variation, residue mobility, and thermodynamic stability) indicates that this missense variant is expected to disrupt LMNA protein function with a positive predictive value of 95%. In summary, the available evidence is currently insufficient to determine the role of this variant in disease. Therefore, it has been classified as a Variant of Uncertain Significance.